The following is an entry in ClinVar:

ClinVar aggregate classification (germline): Pathogenic (1 of 4 stars; one submission).

Allele frequency attached by ClinVar (database versions not stated): gnomAD exomes below 0.00001.
gnomAD v4.1: 1 of 1,613,580 alleles (0.000062%); highest among the groups gnomAD compares: East Asian, 0.0022%; no homozygotes.

Submission:

Labcorp Genetics (formerly Invitae), Labcorp
Classification: Pathogenic. Last evaluated: 2021-11-08. Review status: criteria provided, single submitter. Criteria: Invitae Variant Classification Sherloc (09022015). Collection method: clinical testing. Allele origin: germline.
Comment: This sequence change creates a premature translational stop signal (p.Ser1346*) in the ERCC6 gene. While this is not anticipated to result in nonsense mediated decay, it is expected to disrupt the last 148 amino acid(s) of the ERCC6 protein. This variant has not been reported in the literature in individuals affected with ERCC6-related conditions. This variant disrupts a region of the ERCC6 protein in which other variant(s) (p.Gly1372Glufs*22) have been determined to be pathogenic (PMID: 27004399). This suggests that this is a clinically significant region of the protein, and that variants that disrupt it are likely to be disease-causing. For these reasons, this variant has been classified as Pathogenic.

Literature cited by the submitters: PubMed 27004399.

NM_000124.4(ERCC6):c.4037C>G (p.Ser1346Ter)

Gene: ERCC6 (ERCC excision repair 6, chromatin remodeling factor; minus strand). Cytogenetic location: 10q11.23.
Variant type: single nucleotide variant.
Coding change: c.4037C>G on transcript NM_000124.4 (MANE Select); coding-DNA position 4037, C replaced by G.
Protein change: p.Ser1346Ter; replaces serine 1346 with a stop codon.
Molecular consequence: nonsense.
Genome position (GRCh38, 1-based): chr10:49,460,398, G>C on the plus strand (C>G on the coding strand, the complement: ERCC6 is on the minus strand). VCF-style: chr10-49460398-G-C. GRCh37 (hg19) VCF-style: chr10-50668444-G-C.
Other names: c.4037C>G, p.Ser1346Ter (NM_001346440.2); short protein forms S1346*.
Identifiers: ClinVar variation 1356734 (VCV001356734.6), dbSNP rs2132525337, ClinGen allele CA376708061.